The following is an entry in ClinVar:

NM_015541.3(LRIG1):c.2730G>A (p.Ala910=)

Gene: LRIG1 (leucine rich repeats and immunoglobulin like domains 1; minus strand). Cytogenetic location: 3p14.1.
Variant type: single nucleotide variant.
Coding change: c.2730G>A on transcript NM_015541.3 (MANE Select); coding-DNA position 2730, G replaced by A.
Protein change: p.Ala910=; no amino-acid change (alanine 910 retained).
Molecular consequence: synonymous variant.
Genome position (GRCh38, 1-based): chr3:66,381,519, C>T on the plus strand (G>A on the coding strand, the complement: LRIG1 is on the minus strand). VCF-style: chr3-66381519-C-T. GRCh37 (hg19) VCF-style: chr3-66431943-C-T.
Other names: c.2655G>A, p.Ala885= (NM_001377344.1); c.1950G>A, p.Ala650= (NM_001377345.1, NM_001377346.1); c.1728G>A, p.Ala576= (NM_001377347.1); c.1701G>A, p.Ala567= (NM_001377348.1); c.1446G>A, p.Ala482= (NM_001377349.1).
Identifiers: ClinVar variation 3060527 (VCV003060527.2), dbSNP rs13094825, ClinGen allele CA2484214.

ClinVar aggregate classification (germline): Benign (0 of 4 stars; one submission).

Conditions:
LRIG1-related disorder. Also called: LRIG1-related condition.

Allele frequency attached by ClinVar (database versions not stated): ESP Exome Variant Server 0.01868; gnomAD 0.03514; TOPMed 0.04109; 1000 Genomes Project 0.05391; 1000 Genomes Project 30x 0.05434; ExAC 0.05583.
gnomAD v4.1: 53,727 of 1,613,894 alleles (3.3%); highest among the groups gnomAD compares: Admixed American, 22%; 2,644 homozygotes.

Submission:

PreventionGenetics, part of Exact Sciences
Classification: Benign for LRIG1-related condition. Last evaluated: 2019-10-21. Review status: no assertion criteria provided. Collection method: clinical testing. Allele origin: germline.
Comment: This variant is classified as benign based on ACMG/AMP sequence variant interpretation guidelines (Richards et al. 2015 PMID: 25741868, with internal and published modifications).